The following is an entry in ClinVar:

NM_003458.4(BSN):c.7756C>T (p.Gln2586Ter)

Gene: BSN (bassoon presynaptic cytomatrix protein; plus strand). Cytogenetic location: 3p21.31.
Variant type: single nucleotide variant.
Coding change: c.7756C>T on transcript NM_003458.4 (MANE Select); coding-DNA position 7756, C replaced by T.
Protein change: p.Gln2586Ter; replaces glutamine 2586 with a stop codon.
Molecular consequence: nonsense.
Genome position (GRCh38, 1-based): chr3:49,657,312, C>T. VCF-style: chr3-49657312-C-T. GRCh37 (hg19) VCF-style: chr3-49694745-C-T.
Other names: short protein forms Q2586*.
Identifiers: ClinVar variation 3900338 (VCV003900338.1).

ClinVar aggregate classification (germline): Uncertain significance (1 of 4 stars; one submission).

Submission:

GeneDx
Classification: Uncertain significance. Last evaluated: 2024-05-24. Review status: criteria provided, single submitter. Criteria: GeneDx Variant Classification Process June 2021. Collection method: clinical testing. Allele origin: germline. Affected: yes.
Comment: Not observed at significant frequency in large population cohorts (gnomAD); Nonsense variant predicted to result in protein truncation or nonsense mediated decay in a gene or region of a gene for which loss of function is not a well-established mechanism of disease; Has not been previously published as pathogenic or benign to our knowledge; Variants in candidate genes are classified as variants of uncertain significance in accordance with ACMG guidelines (PMID: 25741868)